The following is an entry in ClinVar:

ClinVar aggregate classification (germline): Benign. Review status: criteria provided, multiple submitters, no conflicts (2 of 4 stars). 7 submissions from 6 submitters: Benign (7). Last evaluated 2026-02-03.

Conditions:
Developmental and epileptic encephalopathy, 1 (DEE1). Also called: OHTAHARA SYNDROME, X-LINKED; Epileptic encephalopathy, early infantile, 1; INFANTILE SPASM SYNDROME, X-LINKED 1; X-linked infantile spasms; West's syndrome; Tonic spasms with clustering, arrest of psychomotor development and hypsarrhythmia on EEG. Identifiers: MedGen C3463992, MONDO:0010632, OMIM 308350. Disease mechanism: loss of function.
Autosomal recessive spinocerebellar ataxia 12. Also called: SPINOCEREBELLAR ATAXIA WITH MENTAL RETARDATION AND EPILEPSY. Identifiers: Orphanet 284282, MedGen C3280452, MONDO:0013687, OMIM 614322.
Developmental and epileptic encephalopathy, 28 (DEE28). Also called: Epileptic encephalopathy, early infantile, 28. Identifiers: Orphanet 442835, MedGen C4015519, MONDO:0014533, OMIM 616211.

Allele frequency attached by ClinVar (database versions not stated): ESP Exome Variant Server 0.03218; gnomAD 0.03269; TOPMed 0.03303; 1000 Genomes Project 30x 0.03576; 1000 Genomes Project 0.03454.
gnomAD v4.1: 9,939 of 1,614,114 alleles (0.62%); highest among the groups gnomAD compares: African/African-American, 11%; 449 homozygotes.

Submissions (7):

Labcorp Genetics (formerly Invitae), Labcorp
Classification: Benign for Developmental and epileptic encephalopathy, 1; Autosomal recessive spinocerebellar ataxia 12. Last evaluated: 2026-02-03. Review status: criteria provided, single submitter. Criteria: Invitae Variant Classification Sherloc (09022015). Collection method: clinical testing. Allele origin: germline.

Genome-Nilou Lab
Classification: Benign for Developmental and epileptic encephalopathy, 28. Last evaluated: 2021-12-05. Review status: criteria provided, single submitter. Criteria: ACMG Guidelines, 2015. Collection method: clinical testing. Allele origin: germline. Affected: no.

Genome-Nilou Lab
Classification: Benign for Autosomal recessive spinocerebellar ataxia 12. Last evaluated: 2021-12-05. Review status: criteria provided, single submitter. Criteria: ACMG Guidelines, 2015. Collection method: clinical testing. Allele origin: germline. Affected: no.

Athena Diagnostics
Classification: Benign. Last evaluated: 2017-09-07. Review status: criteria provided, single submitter. Criteria: Athena Diagnostics Criteria. Collection method: clinical testing. Allele origin: germline.

GeneDx
Classification: Benign. Last evaluated: 2016-01-07. Review status: criteria provided, single submitter. Criteria: GeneDx Variant Classification (06012015). Collection method: clinical testing. Allele origin: germline. Affected: yes.
Comment: This variant is considered likely benign or benign based on one or more of the following criteria: it is a conservative change, it occurs at a poorly conserved position in the protein, it is predicted to be benign by multiple in silico algorithms, and/or has population frequency not consistent with disease.

Breakthrough Genomics
Classification: Benign. Review status: criteria provided, single submitter. Criteria: ACMG Guidelines, 2015. Collection method: not provided. Allele origin: germline. Inheritance: Autosomal recessive inheritance. Affected: yes.

PreventionGenetics, part of Exact Sciences
Classification: Benign. Review status: criteria provided, single submitter. Criteria: ACMG Guidelines, 2015. Collection method: clinical testing. Allele origin: germline.

NM_016373.4(WWOX):c.941G>A (p.Arg314His)

Gene: WWOX (WW domain containing oxidoreductase; plus strand). Cytogenetic location: 16q23.1.
Variant type: single nucleotide variant.
Coding change: c.941G>A on transcript NM_016373.4 (MANE Select); coding-DNA position 941, G replaced by A.
Protein change: p.Arg314His; replaces arginine 314 with histidine.
Molecular consequence: missense variant.
Genome position (GRCh38, 1-based): chr16:78,432,637, G>A. VCF-style: chr16-78432637-G-A. GRCh37 (hg19) VCF-style: chr16-78466534-G-A.
Other names: c.602G>A, p.Arg201His (NM_001291997.2); short protein forms R314H, R201H.
Identifiers: ClinVar variation 260746 (VCV000260746.15), dbSNP rs73572838, ClinGen allele CA8183566.